The following is an entry in ClinVar:

ClinVar aggregate classification (germline): Likely pathogenic (1 of 4 stars; one submission).

Conditions:
Familial adenomatous polyposis 4 (FAP4). Also called: MSH3-related attenuated familial adenomatous polyposis. Identifiers: Orphanet 480536, MedGen C4310719, MONDO:0044300, OMIM 617100.

Submission:

Dr. med. U. Finckh, Human Genetics, Eurofins MVZ
Classification: Likely pathogenic for Familial adenomatous polyposis 4. Last evaluated: 2023-04-19. Review status: criteria provided, single submitter. Criteria: ACMG Guidelines, 2015. Collection method: clinical testing. Allele origin: unknown. Affected: no. Observed: 1 heterozygote.
Comment: This deletion of exons 1-2 of MSH3 is supposed to result in an non-functional gene product and is not present in gnomAD SVs. Thus, it is classified as likely pathogenic for recessive FAP4.

NM_002439.5:c.(-54_?)_(358+50_359-50)del

Gene: MSH3 (mutS homolog 3; plus strand).
Variant type: Deletion.
Other names: c.(-54_?)_(358+50_359-50)del (NM_002439.5).
Identifiers: ClinVar variation 2580970 (VCV002580970.1).